The following is an entry in ClinVar:

ClinVar aggregate classification (germline): Uncertain significance (1 of 4 stars; one submission).

Allele frequency attached by ClinVar (database versions not stated): gnomAD 0.00001; gnomAD exomes 0.00001; TOPMed below 0.00001; ExAC 0.00001.
gnomAD v4.1: 11 of 1,604,486 alleles (0.00069%); highest among the groups gnomAD compares: Non-Finnish European, 0.00077%; no homozygotes.

Submission:

Labcorp Genetics (formerly Invitae), Labcorp
Classification: Uncertain significance. Last evaluated: 2025-04-07. Review status: criteria provided, single submitter. Criteria: Invitae Variant Classification Sherloc (09022015). Collection method: clinical testing. Allele origin: germline.
Comment: This sequence change replaces arginine, which is basic and polar, with cysteine, which is neutral and slightly polar, at codon 652 of the AP3D1 protein (p.Arg652Cys). The frequency data for this variant in the population databases is considered unreliable, as metrics indicate poor data quality at this position in the gnomAD database. This variant has not been reported in the literature in individuals affected with AP3D1-related conditions. ClinVar contains an entry for this variant (Variation ID: 2987954). An algorithm developed to predict the effect of missense changes on protein structure and function (PolyPhen-2) suggests that this variant is likely to be tolerated. In summary, the available evidence is currently insufficient to determine the role of this variant in disease. Therefore, it has been classified as a Variant of Uncertain Significance.

NM_001261826.3(AP3D1):c.1954C>T (p.Arg652Cys)

Gene: AP3D1 (adaptor related protein complex 3 subunit delta 1; minus strand). Cytogenetic location: 19p13.3.
Variant type: single nucleotide variant.
Coding change: c.1954C>T on transcript NM_001261826.3 (MANE Select); coding-DNA position 1954, C replaced by T.
Protein change: p.Arg652Cys; replaces arginine 652 with cysteine.
Molecular consequence: missense variant.
Genome position (GRCh38, 1-based): chr19:2,116,652, G>A on the plus strand (C>T on the coding strand, the complement: AP3D1 is on the minus strand). VCF-style: chr19-2116652-G-A. GRCh37 (hg19) VCF-style: chr19-2116651-G-A.
Other names: c.1954C>T, p.Arg652Cys (NM_001374799.1, NM_003938.8); short protein forms R652C.
Identifiers: ClinVar variation 2987954 (VCV002987954.3), dbSNP rs754359489, ClinGen allele CA9059113.